The following is an entry in ClinVar:

ClinVar aggregate classification (germline): Conflicting classifications of pathogenicity. Review status: criteria provided, conflicting classifications (1 of 4 stars). 2 submissions from 2 submitters: Uncertain significance (1); Likely benign (1). Last evaluated 2025-06-03.

Allele frequency attached by ClinVar (database versions not stated): TOPMed 0.00006; gnomAD 0.00007; ExAC 0.00011; ESP Exome Variant Server 0.00015.
gnomAD v4.1: 117 of 1,614,126 alleles (0.0072%); highest among the groups gnomAD compares: Non-Finnish European, 0.0095%; no homozygotes.

Submissions (2):

Ambry Genetics
Classification: Uncertain significance. Last evaluated: 2025-06-03. Review status: criteria provided, single submitter. Criteria: Ambry Variant Classification Scheme 2023. Collection method: clinical testing. Allele origin: germline.

CeGaT Center for Human Genetics Tuebingen
Classification: Likely benign. Last evaluated: 2025-04-01. Review status: criteria provided, single submitter. Criteria: CeGaT Center For Human Genetics Tuebingen Variant Classification Criteria Version 2. Collection method: clinical testing. Allele origin: germline. Affected: yes. Observed: 1 variant allele.
Comment: TNRC6A: BP4

NM_014494.4(TNRC6A):c.1763G>A (p.Ser588Asn)

Gene: TNRC6A (trinucleotide repeat containing adaptor 6A; plus strand). Cytogenetic location: 16p12.1.
Variant type: single nucleotide variant.
Coding change: c.1763G>A on transcript NM_014494.4 (MANE Select); coding-DNA position 1763, G replaced by A.
Protein change: p.Ser588Asn; replaces serine 588 with asparagine.
Molecular consequence: missense variant.
Genome position (GRCh38, 1-based): chr16:24,790,405, G>A. VCF-style: chr16-24790405-G-A. GRCh37 (hg19) VCF-style: chr16-24801726-G-A.
Other names: c.1763G>A, p.Ser588Asn (NM_001330520.3, NM_020847.1); c.1790G>A, p.Ser597Asn (NM_001351850.2); short protein forms S597N, S588N.
Identifiers: ClinVar variation 2464489 (VCV002464489.10), dbSNP rs372228558, ClinGen allele CA7968614.